The following is an entry in ClinVar:

ClinVar aggregate classification (germline): Likely benign. Review status: criteria provided, multiple submitters, no conflicts (2 of 4 stars). 5 submissions from 5 submitters: Likely benign (5). Last evaluated 2025-07-20.

Conditions:
Left ventricular noncompaction 8 (LVNC8). Identifiers: Orphanet 154, Orphanet 54260, MedGen C3809288, MONDO:0014152, OMIM 615373.

Allele frequency attached by ClinVar (database versions not stated): gnomAD exomes 0.00003 and 0.00004; ExAC 0.00005; ESP Exome Variant Server 0.00008; TOPMed 0.00008; gnomAD 0.00009.
gnomAD v4.1: 54 of 1,610,460 alleles (0.0034%); highest among the groups gnomAD compares: African/African-American, 0.021%; no homozygotes.

Submissions (5):

Labcorp Genetics (formerly Invitae), Labcorp
Classification: Likely benign for Left ventricular noncompaction 8. Last evaluated: 2025-07-20. Review status: criteria provided, single submitter. Criteria: Invitae Variant Classification Sherloc (09022015). Collection method: clinical testing. Allele origin: germline.

Mayo Clinic Laboratories, Mayo Clinic
Classification: Likely benign. Last evaluated: 2025-06-03. Review status: criteria provided, single submitter. Criteria: ACMG Guidelines, 2015. Collection method: clinical testing. Allele origin: germline. Observed: 1 variant allele.
Comment: BP4, BP7

Women's Health and Genetics/Laboratory Corporation of America, LabCorp
Classification: Likely benign. Last evaluated: 2024-10-06. Review status: criteria provided, single submitter. Criteria: LabCorp Variant Classification Summary - May 2015. Collection method: clinical testing. Allele origin: germline.

Blueprint Genetics
Classification: Likely benign. Last evaluated: 2023-12-15. Review status: criteria provided, single submitter. Criteria: ACMG Guidelines, 2015. Collection method: clinical testing. Allele origin: germline.

GeneDx
Classification: Likely benign. Last evaluated: 2020-07-17. Review status: criteria provided, single submitter. Criteria: GeneDx Variant Classification Process June 2021. Collection method: clinical testing. Allele origin: germline. Affected: yes.

NM_022114.4(PRDM16):c.1485G>A (p.Pro495=)

Gene: PRDM16 (PR/SET domain 16; plus strand). Cytogenetic location: 1p36.32.
Variant type: single nucleotide variant.
Coding change: c.1485G>A on transcript NM_022114.4 (MANE Select); coding-DNA position 1485, G replaced by A.
Protein change: p.Pro495=; no amino-acid change (proline 495 retained).
Molecular consequence: synonymous variant.
Genome position (GRCh38, 1-based): chr1:3,411,682, G>A. VCF-style: chr1-3411682-G-A. GRCh37 (hg19) VCF-style: chr1-3328246-G-A.
Other names: p.Pro495=; c.1485G>A, p.Pro495= (NM_199454.3).
Identifiers: ClinVar variation 406234 (VCV000406234.16), dbSNP rs370666366, ClinGen allele CA544206.